The following is an entry in ClinVar:

NM_001278431.2(C1QTNF5):c.111G>A (p.Thr37=)

Genes: C1QTNF5 (C1q and TNF related 5; minus strand), MFRP (membrane frizzled-related protein; minus strand). Cytogenetic location: 11q23.3.
Variant type: single nucleotide variant.
Coding change: c.111G>A on transcript NM_001278431.2 (MANE Select); coding-DNA position 111, G replaced by A.
Protein change: p.Thr37=; no amino-acid change (threonine 37 retained).
Molecular consequence: synonymous variant. On other transcripts: 3 prime UTR variant (1).
Genome position (GRCh38, 1-based): chr11:119,340,287, C>T on the plus strand (G>A on the coding strand, the complement: C1QTNF5 is on the minus strand). VCF-style: chr11-119340287-C-T. GRCh37 (hg19) VCF-style: chr11-119210997-C-T.
Other names: c.111G>A, p.Thr37= (NM_015645.5); c.*1007G>A (NM_031433.4).
Identifiers: ClinVar variation 1921372 (VCV001921372.9), dbSNP rs1374459892, ClinGen allele CA477155051.

ClinVar aggregate classification (germline): Likely benign. Review status: criteria provided, multiple submitters, no conflicts (2 of 4 stars). 2 submissions from 2 submitters: Likely benign (2). Last evaluated 2026-03-01.

Allele frequency attached by ClinVar (database versions not stated): gnomAD exomes 0.00001; TOPMed 0.00014.
gnomAD v4.1: 43 of 1,531,480 alleles (0.0028%); highest among the groups gnomAD compares: Admixed American, 0.084%; no homozygotes.

Submissions (2):

CeGaT Center for Human Genetics Tuebingen
Classification: Likely benign. Last evaluated: 2026-03-01. Review status: criteria provided, single submitter. Criteria: CeGaT Center For Human Genetics Tuebingen Variant Classification Criteria Version 2. Collection method: clinical testing. Allele origin: germline. Affected: yes. Observed: 1 variant allele.
Comment: C1QTNF5: BP4, BP7

Labcorp Genetics (formerly Invitae), Labcorp
Classification: Likely benign. Last evaluated: 2025-03-31. Review status: criteria provided, single submitter. Criteria: Invitae Variant Classification Sherloc (09022015). Collection method: clinical testing. Allele origin: germline.